The following is an entry in ClinVar:

NM_002439.5(MSH3):c.2288G>T (p.Cys763Phe)

Gene: MSH3 (mutS homolog 3; plus strand). Cytogenetic location: 5q14.1.
Variant type: single nucleotide variant.
Coding change: c.2288G>T on transcript NM_002439.5 (MANE Select); coding-DNA position 2288, G replaced by T.
Protein change: p.Cys763Phe; replaces cysteine 763 with phenylalanine.
Molecular consequence: missense variant.
Genome position (GRCh38, 1-based): chr5:80,775,728, G>T. VCF-style: chr5-80775728-G-T. GRCh37 (hg19) VCF-style: chr5-80071547-G-T.
Other names: short protein forms C763F.
Identifiers: ClinVar variation 645630 (VCV000645630.19), dbSNP rs373251342, ClinGen allele CA3328190.
Genomic context (GRCh38, chr5:80,775,728, plus strand): 5'-TCTCTGTTTATTTGTATTTGTTTTAGTTTATGATAGAAATAAAGAACTCTGCTGTATCTT[G>T]TATACCAACTGATTGGGTAAAGGTTGGAAGGTAGGTTTAAAATAAATTTTTTTCTTACAA-3'
Protein context (NP_002430.3, residues 753-773): MIEIKNSAVS[Cys763Phe]IPTDWVKVGS

ClinVar aggregate classification (germline): Uncertain significance. Review status: criteria provided, multiple submitters, no conflicts (2 of 4 stars). 7 submissions from 7 submitters: Uncertain significance (7). Last evaluated 2026-04-24.

Conditions:
Endometrial carcinoma. Also called: Endometrial carcinoma, somatic. Identifiers: MedGen C0476089, MONDO:0002447, OMIM 608089, HP:0012114.
Familial adenomatous polyposis 4 (FAP4). Also called: MSH3-related attenuated familial adenomatous polyposis. Identifiers: Orphanet 480536, MedGen C4310719, MONDO:0044300, OMIM 617100.
Hereditary cancer-predisposing syndrome. Also called: Neoplastic Syndromes, Hereditary; Tumor predisposition; Hereditary neoplastic syndrome; Hereditary Cancer Syndrome. Identifiers: Orphanet 140162, MedGen C0027672, MeSH D009386, MONDO:0015356.
MSH3-related disorder. Also called: MSH3-related condition.

Allele frequency attached by ClinVar (database versions not stated): gnomAD 0.00001; TOPMed 0.00002; gnomAD exomes 0.00003.
gnomAD v4.1: 15 of 1,588,962 alleles (0.00094%); highest among the groups gnomAD compares: East Asian, 0.0067%; no homozygotes.

Submissions (7):

PreventionGenetics, part of Exact Sciences
Classification: Uncertain significance for MSH3-related condition. Last evaluated: 2026-04-24. Review status: criteria provided, single submitter. Criteria: ACMG Guidelines, 2015. Collection method: clinical testing. Allele origin: germline.
Comment: The MSH3 c.2288G>T variant is predicted to result in the amino acid substitution p.Cys763Phe. This variant has been reported in an individual with colorectal cancer (Table S2, DeRycke et al. 2017. PubMed ID: 28944238). This variant is reported in 0.035% of alleles in individuals of East Asian descent in gnomAD. This variant is classified as uncertain in ClinVar (Variation ID: 645630). At this time, the clinical significance of this variant is uncertain due to the absence of conclusive functional and genetic evidence.

Labcorp Genetics (formerly Invitae), Labcorp
Classification: Uncertain significance. Last evaluated: 2026-01-26. Review status: criteria provided, single submitter. Criteria: Invitae Variant Classification Sherloc (09022015). Collection method: clinical testing. Allele origin: germline.
Comment: This sequence change replaces cysteine, which is neutral and slightly polar, with phenylalanine, which is neutral and non-polar, at codon 763 of the MSH3 protein (p.Cys763Phe). This variant is present in population databases (rs373251342, gnomAD 0.04%). This missense change has been observed in individual(s) with colorectal cancer (PMID: 28944238). ClinVar contains an entry for this variant (Variation ID: 645630). An algorithm developed to predict the effect of missense changes on protein structure and function (PolyPhen-2) suggests that this variant is likely to be tolerated. In summary, the available evidence is currently insufficient to determine the role of this variant in disease. Therefore, it has been classified as a Variant of Uncertain Significance.

Ambry Genetics
Classification: Uncertain significance for Hereditary cancer-predisposing syndrome. Last evaluated: 2025-12-18. Review status: criteria provided, single submitter. Criteria: Ambry Variant Classification Scheme 2023. Collection method: clinical testing. Allele origin: germline.
Comment: The p.C763F variant (also known as c.2288G>T), located in coding exon 16 of the MSH3 gene, results from a G to T substitution at nucleotide position 2288. The cysteine at codon 763 is replaced by phenylalanine, an amino acid with highly dissimilar properties. In one study, this alteration was identified in 1/1231 colorectal cancer cases and 0/93 controls (DeRycke MS et al. Mol Genet Genomic Med, 2017 Sep;5:553-569). This amino acid position is not well conserved in available vertebrate species. In addition, this alteration is predicted to be tolerated by in silico analysis. Since supporting evidence is limited at this time, the clinical significance of this alteration remains unclear.

Quest Diagnostics Nichols Institute San Juan Capistrano
Classification: Uncertain significance. Last evaluated: 2024-12-02. Review status: criteria provided, single submitter. Criteria: Quest Diagnostics criteria. Collection method: clinical testing. Allele origin: unknown.
Comment: The MSH3 c.2288G>T (p.Cys763Phe) variant has been reported in an individual with colorectal cancer (PMID: 28944238 (2017)). The frequency of this variant in the general population (Genome Aggregation Database) is uninformative in the assessment of its pathogenicity. Analysis of this variant using bioinformatics tools for the prediction of the effect of amino acid changes on protein structure and function yielded conflicting predictions that this variant is benign or damaging. Based on the available information, we are unable to determine the clinical significance of this variant.

Fulgent Genetics
Classification: Uncertain significance for Endometrial carcinoma; Familial adenomatous polyposis 4. Last evaluated: 2024-06-18. Review status: criteria provided, single submitter. Criteria: ACMG Guidelines, 2015. Collection method: clinical testing. Allele origin: germline.

Baylor Genetics
Classification: Uncertain significance for Endometrial carcinoma. Last evaluated: 2024-03-08. Review status: criteria provided, single submitter. Criteria: ACMG Guidelines, 2015. Collection method: clinical testing. Allele origin: unknown.

Sema4
Classification: Uncertain significance for Hereditary cancer-predisposing syndrome. Last evaluated: 2022-01-22. Review status: criteria provided, single submitter. Criteria: Sema4 Curation Guidelines. Collection method: curation. Allele origin: germline.
Comment: The MSH3 c.2288G>T (p.C763F) variant has not been reported in the literature to our knowledge. This variant was observed in 7/19906 chromosomes in the East Asian population according to the Genome Aggregation Database (PMID: 32461654). This variant has been reported in ClinVar (Variation ID 645630). Functional studies have not been performed, and in silico predictions of the variant's effect on protein function are inconclusive. The overall evidence is insufficient to meet ACMG/AMP criteria for classifying it as benign or pathogenic. In summary, the clinical significance of this variant is currently uncertain.

Literature cited by the submitters: PubMed 28944238 (cited by 3 submitters).